The following is an entry in ClinVar:

ClinVar aggregate classification (germline): Uncertain significance (1 of 4 stars; one submission).

Conditions:
Hereditary cancer-predisposing syndrome. Also called: Neoplastic Syndromes, Hereditary; Tumor predisposition; Hereditary Cancer Syndrome; Hereditary neoplastic syndrome. Identifiers: Orphanet 140162, MedGen C0027672, MeSH D009386, MONDO:0015356.

Submission:

Ambry Genetics
Classification: Uncertain significance for Hereditary cancer-predisposing syndrome. Last evaluated: 2025-09-26. Review status: criteria provided, single submitter. Criteria: Ambry Variant Classification Scheme 2023. Collection method: clinical testing. Allele origin: germline.
Comment: The p.E11Q variant (also known as c.31G>C), located in coding exon 1 of the PRKAR1A gene, results from a G to C substitution at nucleotide position 31. The glutamic acid at codon 11 is replaced by glutamine, an amino acid with highly similar properties. This amino acid position is conserved. In addition, this alteration is predicted to be deleterious by in silico analysis. Based on the available evidence, the clinical significance of this variant remains unclear.

NM_002734.5(PRKAR1A):c.31G>C (p.Glu11Gln)

Gene: PRKAR1A (protein kinase cAMP-dependent type I regulatory subunit alpha; plus strand). Cytogenetic location: 17q24.2.
Variant type: single nucleotide variant.
Coding change: c.31G>C on transcript NM_002734.5 (MANE Select); coding-DNA position 31, G replaced by C.
Protein change: p.Glu11Gln; replaces glutamic acid 11 with glutamine.
Molecular consequence: missense variant.
Genome position (GRCh38, 1-based): chr17:68,515,430, G>C. VCF-style: chr17-68515430-G-C. GRCh37 (hg19) VCF-style: chr17-66511571-G-C.
Other names: c.31G>C, p.Glu11Gln (NM_001276289.2, NM_001276290.1, NM_001278433.2 and 4 more transcripts); short protein forms E11Q.
Identifiers: ClinVar variation 4674194 (VCV004674194.1).
Genomic context (GRCh38, chr17:68,515,430, plus strand): 5'-CATGTGTGTGTTTTTTTCTCGCAGAGAACCATGGAGTCTGGCAGTACCGCCGCCAGTGAG[G>C]AGGCACGCAGCCTTCGAGAATGTGAGCTCTACGTCCAGAAGCATAACATTCAAGCGCTGC-3'
Protein context (NP_002725.1, residues 1-21): MESGSTAASE[Glu11Gln]ARSLRECELY